The following is an entry in ClinVar:

ClinVar aggregate classification (germline): Uncertain significance. Review status: criteria provided, multiple submitters, no conflicts (2 of 4 stars). 2 submissions from 2 submitters: Uncertain significance (2). Last evaluated 2025-06-24.

Conditions:
Inborn genetic diseases. Identifiers: MedGen C0950123, MeSH D030342.

gnomAD v4.1: 4 of 1,614,014 alleles (0.00025%); highest among the groups gnomAD compares: Non-Finnish European, 0.00034%; no homozygotes.

Submissions (2):

Ambry Genetics
Classification: Uncertain significance for Inborn genetic diseases. Last evaluated: 2025-06-24. Review status: criteria provided, single submitter. Criteria: Ambry Variant Classification Scheme 2023. Collection method: clinical testing. Allele origin: germline.

Labcorp Genetics (formerly Invitae), Labcorp
Classification: Uncertain significance. Last evaluated: 2022-06-20. Review status: criteria provided, single submitter. Criteria: Invitae Variant Classification Sherloc (09022015). Collection method: clinical testing. Allele origin: germline.
Comment: This sequence change replaces proline, which is neutral and non-polar, with serine, which is neutral and polar, at codon 276 of the PPP2R1A protein (p.Pro276Ser). This variant is not present in population databases (gnomAD no frequency). This variant has not been reported in the literature in individuals affected with PPP2R1A-related conditions. Algorithms developed to predict the effect of missense changes on protein structure and function (SIFT, PolyPhen-2, Align-GVGD) all suggest that this variant is likely to be tolerated. In summary, the available evidence is currently insufficient to determine the role of this variant in disease. Therefore, it has been classified as a Variant of Uncertain Significance.

NM_014225.6(PPP2R1A):c.826C>T (p.Pro276Ser)

Gene: PPP2R1A (protein phosphatase 2 scaffold subunit Aalpha; plus strand). Cytogenetic location: 19q13.41.
Variant type: single nucleotide variant.
Coding change: c.826C>T on transcript NM_014225.6 (MANE Select); coding-DNA position 826, C replaced by T.
Protein change: p.Pro276Ser; replaces proline 276 with serine.
Molecular consequence: missense variant. On other transcripts: non-coding transcript variant (1).
Genome position (GRCh38, 1-based): chr19:52,215,797, C>T. VCF-style: chr19-52215797-C-T. GRCh37 (hg19) VCF-style: chr19-52719050-C-T.
Other names: c.289C>T, p.Pro97Ser (NM_001363656.2); c.826C>T (NM_014225.5); short protein forms P276S, P97S.
Identifiers: ClinVar variation 1505023 (VCV001505023.6), dbSNP rs777655260, ClinGen allele CA407186167.